The following is an entry in ClinVar:

NM_007294.4(BRCA1):c.4880C>G (p.Ala1627Gly)

Gene: BRCA1 (BRCA1 DNA repair associated; minus strand). Cytogenetic location: 17q21.31.
Variant type: single nucleotide variant.
Coding change: c.4880C>G on transcript NM_007294.4 (MANE Select); coding-DNA position 4880, C replaced by G.
Protein change: p.Ala1627Gly; replaces alanine 1627 with glycine.
Molecular consequence: missense variant. On other transcripts: intron variant (1).
Genome position (GRCh38, 1-based): chr17:43,071,034, G>C on the plus strand (C>G on the coding strand, the complement: BRCA1 is on the minus strand). VCF-style: chr17-43071034-G-C. GRCh37 (hg19) VCF-style: chr17-41223051-G-C.
Other names: c.1568C>G, p.Ala523Gly (NM_001407992.1, NM_001407993.1, NM_001408472.1 and 13 more transcripts); c.1565C>G, p.Ala522Gly (NM_001408392.1, NM_001408396.1, NM_001408397.1 and 8 more transcripts); c.1562C>G, p.Ala521Gly (NM_001408406.1, NM_001408407.1, NM_001408408.1); c.1559C>G, p.Ala520Gly (NM_001408409.1); c.1496C>G, p.Ala499Gly (NM_001408410.1); c.1493C>G, p.Ala498Gly (NM_001408411.1); c.1490C>G, p.Ala497Gly (NM_001408412.1, NM_001408413.1, NM_001408414.1 and 2 more transcripts); c.1454C>G, p.Ala485Gly (NM_001408418.1, NM_001408419.1, NM_001408420.1); and 71 more; short protein forms A1330G, A1331G, A1458G, A1473G, A1498G, A1499G, A1500G, A1514G.
Identifiers: ClinVar variation 3226168 (VCV003226168.1), dbSNP rs764015648, ClinGen allele CA10591766.
Genomic context (GRCh38, chr17:43,071,034, plus strand): 5'-TTGACCCTTTCTGTTGAAGCTGTCAATTCTGGCTTCTCCCTGCTCACACTTTCTTCCATT[G>C]CATTATACCCAGCAGTATCAGTAGTATGAGCAGCAGCTGGACTCTGGGCAGATTCTGCAA-3'
Protein context (NP_009225.1, residues 1617-1637): AHTTDTAGYN[Ala1627Gly]MEESVSREKP

ClinVar aggregate classification (germline): Uncertain significance (1 of 4 stars; one submission).

Conditions:
Hereditary cancer-predisposing syndrome. Also called: Neoplastic Syndromes, Hereditary; Tumor predisposition; Hereditary neoplastic syndrome; Hereditary Cancer Syndrome. Identifiers: Orphanet 140162, MedGen C0027672, MeSH D009386, MONDO:0015356.

Submission:

Ambry Genetics
Classification: Uncertain significance for Hereditary cancer-predisposing syndrome. Last evaluated: 2023-11-27. Review status: criteria provided, single submitter. Criteria: Ambry Variant Classification Scheme 2023. Collection method: clinical testing. Allele origin: germline.
Comment: The p.A1627G variant (also known as c.4880C>G), located in coding exon 14 of the BRCA1 gene, results from a C to G substitution at nucleotide position 4880. The alanine at codon 1627 is replaced by glycine, an amino acid with similar properties. This amino acid position is not well conserved in available vertebrate species. In addition, the in silico prediction for this alteration is inconclusive. Since supporting evidence is limited at this time, the clinical significance of this alteration remains unclear.